The following is an entry in ClinVar:

NM_001326411.2(PISD):c.322-3889C>T

Genes: PISD (phosphatidylserine decarboxylase; minus strand), LOC110121499 (VISTA enhancer hs2240; plus strand). Cytogenetic location: 22q12.2.
Variant type: single nucleotide variant.
Coding change: c.322-3889C>T on transcript NM_001326411.2 (MANE Select); 3889 bases into the intron before coding-DNA position 322, C replaced by T.
Molecular consequence: intron variant. On other transcripts: synonymous variant (6).
Genome position (GRCh38, 1-based): chr22:31,625,774, G>A on the plus strand (C>T on the coding strand, the complement: PISD is on the minus strand). VCF-style: chr22-31625774-G-A. GRCh37 (hg19) VCF-style: chr22-32021760-G-A.
Other names: c.42C>T, p.Arg14= (NM_001326415.2, NM_001326416.2, NM_001326417.2 and 3 more transcripts); c.322-3952C>T (NM_001326412.1); c.322-3889C>T (NM_001326421.1); c.142-3889C>T (NM_001326420.2, NM_001326418.2); c.93-1925C>T (NM_001326413.2, NM_001326414.2).
Identifiers: ClinVar variation 4872636 (VCV004872636.3).

ClinVar aggregate classification (germline): Likely benign. Review status: criteria provided, multiple submitters, no conflicts (2 of 4 stars). 2 submissions from 2 submitters: Likely benign (2). Last evaluated 2026-04-01.

gnomAD v4.1: 62 of 1,593,238 alleles (0.0039%); highest among the groups gnomAD compares: Non-Finnish European, 0.0044%; no homozygotes.

Submissions (2):

CeGaT Center for Human Genetics Tuebingen
Classification: Likely benign. Last evaluated: 2026-04-01. Review status: criteria provided, single submitter. Criteria: CeGaT Center For Human Genetics Tuebingen Variant Classification Criteria Version 2. Collection method: clinical testing. Allele origin: germline. Affected: yes. Observed: 1 variant allele.
Comment: PISD: BP4, BP7

Blueprint Genetics
Classification: Likely benign. Last evaluated: 2023-12-14. Review status: criteria provided, single submitter. Criteria: ACMG Guidelines, 2015. Collection method: clinical testing. Allele origin: germline.